The following is an entry in ClinVar:

NM_001692.4(ATP6V1B1):c.824del (p.Thr275fs)

Gene: ATP6V1B1 (ATPase H+ transporting V1 subunit B1; plus strand). Cytogenetic location: 2p13.3.
Variant type: Deletion.
Coding change: c.824del on transcript NM_001692.4 (MANE Select); coding-DNA position 824, one base deleted (C; older notation c.824delC).
Protein change: p.Thr275fs; shifts the reading frame from threonine 275.
Molecular consequence: frameshift variant.
Genome position (GRCh38, 1-based): chr2:70,962,815, C deleted. VCF-style (leftmost placement, unchanged base first): chr2-70962814-AC-A. GRCh37 (hg19) VCF-style: chr2-71189944-AC-A.
Other names: short protein forms T275fs.
Identifiers: ClinVar variation 4814936 (VCV004814936.1).
Genomic context (GRCh38, chr2:70,962,814, plus strand): 5'-TAAACACCTGGCTACACCTCCAGGATCGAGCGGATCATCACCCCGCGCCTGGCGCTGACC[AC>A]TGCTGAATTCCTTGCCTACCAGTGTGAGAAGCATGTGCTGGTCATACTGACGGACATGAG-3'

ClinVar aggregate classification (germline): Likely pathogenic (1 of 4 stars; one submission).

Conditions:
Renal tubular acidosis with progressive nerve deafness. Also called: Distal Renal Tubular Acidosis with Progressive Sensorineural Deafness; renal tubular acidosis, distal, 2, with progressive sensorineural hearing loss; RENAL TUBULAR ACIDOSIS, AUTOSOMAL RECESSIVE, WITH PROGRESSIVE NERVE DEAFNESS; RTA WITH PROGRESSIVE NERVE DEAFNESS. Identifiers: MedGen C0403554, MONDO:0009968, OMIM 267300.

Submission:

Natera, Inc.
Classification: Likely pathogenic for Renal tubular acidosis with progressive nerve deafness. Last evaluated: 2025-12-02. Review status: criteria provided, single submitter. Criteria: Natera Variant Classification Schema (03/2026). Collection method: clinical testing. Allele origin: germline.
Comment: The c.824del variant in ATP6V1B1 is a frameshift variant predicted to shift the reading frame beginning at codon 275 and leads to a stop codon 17 codons downstream. This variant is expected to result in nonsense mediated decay, truncation, or a dysfunctional protein product. This variant is rare in the general population with a frequency below the threshold expected for the associated phenotype(s). Given the available evidence, this variant is classified as Likely Pathogenic.